The following is an entry in ClinVar:

ClinVar aggregate classification (germline): Likely benign (0 of 4 stars; one submission).

Conditions:
ADCY3-related disorder. Also called: ADCY3-related condition.

gnomAD v4.1: 2 of 1,614,018 alleles (0.00012%); highest among the groups gnomAD compares: South Asian, 0.0022%; no homozygotes.

Submission:

PreventionGenetics, part of Exact Sciences
Classification: Likely benign for ADCY3-related condition. Last evaluated: 2021-03-31. Review status: no assertion criteria provided. Collection method: clinical testing. Allele origin: germline.
Comment: This variant is classified as likely benign based on ACMG/AMP sequence variant interpretation guidelines (Richards et al. 2015 PMID: 25741868, with internal and published modifications).

NM_004036.5(ADCY3):c.567C>T (p.Pro189=)

Gene: ADCY3 (adenylate cyclase 3; minus strand). Cytogenetic location: 2p23.3.
Variant type: single nucleotide variant.
Coding change: c.567C>T on transcript NM_004036.5 (MANE Select); coding-DNA position 567, C replaced by T.
Protein change: p.Pro189=; no amino-acid change (proline 189 retained).
Molecular consequence: synonymous variant.
Genome position (GRCh38, 1-based): chr2:24,918,421, G>A on the plus strand (C>T on the coding strand, the complement: ADCY3 is on the minus strand). VCF-style: chr2-24918421-G-A. GRCh37 (hg19) VCF-style: chr2-25141290-G-A.
Other names: c.567C>T, p.Pro189= (NM_001320613.2, NM_001377128.1, NM_001377129.1 and 2 more transcripts).
Identifiers: ClinVar variation 3357616 (VCV003357616.1).